The following is an entry in ClinVar:

NM_004713.6(NEMF):c.2802G>C (p.Arg934Ser)

Gene: NEMF (nuclear export mediator factor; minus strand). Cytogenetic location: 14q21.3.
Variant type: single nucleotide variant.
Coding change: c.2802G>C on transcript NM_004713.6 (MANE Select); coding-DNA position 2802, G replaced by C.
Protein change: p.Arg934Ser; replaces arginine 934 with serine.
Molecular consequence: missense variant.
Genome position (GRCh38, 1-based): chr14:49,789,239, C>G on the plus strand (G>C on the coding strand, the complement: NEMF is on the minus strand). VCF-style: chr14-49789239-C-G. GRCh37 (hg19) VCF-style: chr14-50255957-C-G.
Other names: c.2739G>C, p.Arg913Ser (NM_001301732.3); c.2802G>C (NM_004713.4); short protein forms R913S, R934S.
Identifiers: ClinVar variation 3878833 (VCV003878833.2).

ClinVar aggregate classification (germline): Uncertain significance. Review status: criteria provided, multiple submitters, no conflicts (2 of 4 stars). 2 submissions from 2 submitters: Uncertain significance (2). Last evaluated 2025-02-12.

Conditions:
Inborn genetic diseases. Identifiers: MedGen C0950123, MeSH D030342.

gnomAD v4.1: 8 of 1,613,832 alleles (0.0005%); highest among the groups gnomAD compares: East Asian, 0.018%; no homozygotes.

Submissions (2):

Ambry Genetics
Classification: Uncertain significance for Inborn genetic diseases. Last evaluated: 2025-02-12. Review status: criteria provided, single submitter. Criteria: Ambry Variant Classification Scheme 2023. Collection method: clinical testing. Allele origin: germline.

GeneDx
Classification: Uncertain significance. Last evaluated: 2024-10-22. Review status: criteria provided, single submitter. Criteria: GeneDx Variant Classification Process June 2021. Collection method: clinical testing. Allele origin: germline. Affected: yes.
Comment: In silico analysis indicates that this missense variant does not alter protein structure/function; Has not been previously published as pathogenic or benign to our knowledge